The following is an entry in ClinVar:

NM_025114.4(CEP290):c.5873_5874del (p.Leu1958fs)

Gene: CEP290 (centrosomal protein 290; minus strand). Cytogenetic location: 12q21.32.
Variant type: Deletion.
Coding change: c.5873_5874del on transcript NM_025114.4 (MANE Select); coding-DNA positions 5873 to 5874, 2 bases deleted (TT; older notation c.5873_5874delTT).
Protein change: p.Leu1958fs; shifts the reading frame from leucine 1958.
Molecular consequence: frameshift variant.
Genome position (GRCh38, 1-based): chr12:88,071,431-88,071,432, AA deleted on the plus strand (TT on the coding strand, the reverse complement: CEP290 is on the minus strand). VCF-style (leftmost placement, unchanged base first): chr12-88071430-TAA-T. GRCh37 (hg19) VCF-style: chr12-88465207-TAA-T.
Other names: short protein forms L1958fs.
Identifiers: ClinVar variation 861542 (VCV000861542.8), dbSNP rs2035367210, ClinGen allele CA916083325.

ClinVar aggregate classification (germline): Pathogenic (1 of 4 stars; one submission).

Conditions:
Meckel-Gruber syndrome. Also called: DYSENCEPHALIA SPLANCHNOCYSTICA; GRUBER SYNDROME; Dysencephalia splachnocystica. Identifiers: Orphanet 564, MedGen C0265215, MONDO:0018921.
Nephronophthisis. Also called: Juvenile Nephronophthisis. Identifiers: Orphanet 655, MedGen C0687120, MONDO:0019005, HP:0000090.
Joubert syndrome. Also called: CEREBELLOPARENCHYMAL DISORDER IV; JOUBERT-BOLTSHAUSER SYNDROME; Familial aplasia of the vermis. Identifiers: Orphanet 475, MedGen C5979921, MONDO:0018772.

Submission:

Labcorp Genetics (formerly Invitae), Labcorp
Classification: Pathogenic for Joubert syndrome; Meckel-Gruber syndrome; Nephronophthisis. Last evaluated: 2019-03-23. Review status: criteria provided, single submitter. Criteria: Invitae Variant Classification Sherloc (09022015). Collection method: clinical testing. Allele origin: germline.
Comment: For these reasons, this variant has been classified as Pathogenic. Loss-of-function variants in CEP290 are known to be pathogenic (PMID: 16909394, 17345604, 20690115). This variant has not been reported in the literature in individuals with CEP290-related conditions. This variant is not present in population databases (ExAC no frequency). This sequence change creates a premature translational stop signal (p.Leu1958Hisfs*14) in the CEP290 gene. It is expected to result in an absent or disrupted protein product.

Literature cited by the submitters: PubMed 16909394; PubMed 17345604; PubMed 20690115.